The following is an entry in ClinVar:

NM_182943.3(PLOD2):c.-104G>T

Gene: PLOD2 (procollagen-lysine,2-oxoglutarate 5-dioxygenase 2; minus strand). Cytogenetic location: 3q24.
Variant type: single nucleotide variant.
Coding change: c.-104G>T on transcript NM_182943.3 (MANE Select); 104 bases upstream of the start codon, G replaced by T.
Molecular consequence: 5 prime UTR variant.
Genome position (GRCh38, 1-based): chr3:146,161,093, C>A on the plus strand (G>T on the coding strand, the complement: PLOD2 is on the minus strand). VCF-style: chr3-146161093-C-A. GRCh37 (hg19) VCF-style: chr3-145878880-C-A.
Other names: c.-104G>T (NM_000935.3).
Identifiers: ClinVar variation 900222 (VCV000900222.7), dbSNP rs573663835, ClinGen allele CA84525470.

ClinVar aggregate classification (germline): Benign/Likely benign. Review status: criteria provided, multiple submitters, no conflicts (2 of 4 stars). 2 submissions from 2 submitters: Benign (1); Likely benign (1). Last evaluated 2018-07-08.

Conditions:
Bruck syndrome 2 (BRKS2). Also called: OSTEOGENESIS IMPERFECTA WITH CONGENITAL JOINT CONTRACTURES. Identifiers: Orphanet 2771, MedGen C1836602, MONDO:0012217, OMIM 609220.

Allele frequency attached by ClinVar (database versions not stated): gnomAD 0.00454 and 0.00486; 1000 Genomes Project 0.00479; 1000 Genomes Project 30x 0.00484; TOPMed 0.00542.
gnomAD v4.1: 952 of 662,278 alleles (0.14%); highest among the groups gnomAD compares: African/African-American, 1.6%; 5 homozygotes.

Submissions (2):

GeneDx
Classification: Likely benign. Last evaluated: 2018-07-08. Review status: criteria provided, single submitter. Criteria: GeneDx Variant Classification Process June 2021. Collection method: clinical testing. Allele origin: germline. Affected: yes.

Illumina Laboratory Services, Illumina
Classification: Benign for Bruck syndrome 2. Last evaluated: 2018-01-12. Review status: criteria provided, single submitter. Criteria: ICSL Variant Classification Criteria 13 December 2019. Collection method: clinical testing. Allele origin: germline.
Comment: This variant was observed in the ICSL laboratory as part of a predisposition screen in an ostensibly healthy population. It had not been previously curated by ICSL or reported in the Human Gene Mutation Database (HGMD: prior to June 1st, 2018), and was therefore a candidate for classification through an automated scoring system. Utilizing variant allele frequency, disease prevalence and penetrance estimates, and inheritance mode, an automated score was calculated to assess if this variant is too frequent to cause the disease. Based on the score and internal cut-off values, a variant classified as benign is not then subjected to further curation. The score for this variant resulted in a classification of benign for this disease.